The following is an entry in ClinVar:

NM_001303.4(COX10):c.695+11G>A

Gene: COX10 (cytochrome c oxidase assembly factor heme A:farnesyltransferase COX10; plus strand). Cytogenetic location: 17p12.
Variant type: single nucleotide variant.
Coding change: c.695+11G>A on transcript NM_001303.4 (MANE Select); 11 bases into the intron after coding-DNA position 695, G replaced by A.
Molecular consequence: intron variant.
Genome position (GRCh38, 1-based): chr17:14,159,958, G>A. VCF-style: chr17-14159958-G-A. GRCh37 (hg19) VCF-style: chr17-14063275-G-A.
Identifiers: ClinVar variation 389192 (VCV000389192.2), dbSNP rs201826759, ClinGen allele CA8402395.

ClinVar aggregate classification (germline): Likely benign. Review status: criteria provided, multiple submitters, no conflicts (2 of 4 stars). 2 submissions from 2 submitters: Likely benign (2). Last evaluated 2022-04-28.

Conditions:
Mitochondrial complex IV deficiency, nuclear type 3. Also called: Mitochondrial complex 4 deficiency, nuclear type 3. Identifiers: MedGen C5436682, MONDO:0033635, OMIM 619046.

Allele frequency attached by ClinVar (database versions not stated): gnomAD exomes 0.00001; ExAC 0.00002; gnomAD 0.00002 and 0.00003; TOPMed 0.00002; 1000 Genomes Project 0.00020; 1000 Genomes Project 30x 0.00031.
gnomAD v4.1: 20 of 1,603,824 alleles (0.0012%); highest among the groups gnomAD compares: East Asian, 0.016%; no homozygotes.

Submissions (2):

Fulgent Genetics
Classification: Likely benign for Mitochondrial complex IV deficiency, nuclear type 3. Last evaluated: 2022-04-28. Review status: criteria provided, single submitter. Criteria: ACMG Guidelines, 2015. Collection method: clinical testing. Allele origin: unknown.

GeneDx
Classification: Likely benign. Last evaluated: 2016-09-20. Review status: criteria provided, single submitter. Criteria: GeneDx Variant Classification (06012015). Collection method: clinical testing. Allele origin: germline. Affected: yes.
Comment: This variant is considered likely benign or benign based on one or more of the following criteria: it is a conservative change, it occurs at a poorly conserved position in the protein, it is predicted to be benign by multiple in silico algorithms, and/or has population frequency not consistent with disease.